The following is an entry in ClinVar:

ClinVar aggregate classification (germline): Uncertain significance. Review status: criteria provided, multiple submitters, no conflicts (2 of 4 stars). 2 submissions from 2 submitters: Uncertain significance (2). Last evaluated 2024-02-29.

Conditions:
Walker-Warburg congenital muscular dystrophy. Also called: Muscular dystrophy-dystroglycanopathy, type A; Walker-Warburg syndrome. Identifiers: Orphanet 899, MedGen C0265221, MONDO:0000171.

Allele frequency attached by ClinVar (database versions not stated): TOPMed below 0.00001; gnomAD 0.00001.

Submissions (2):

Revvity Omics, Revvity
Classification: Uncertain significance. Last evaluated: 2024-02-29. Review status: criteria provided, single submitter. Criteria: ACMG Guidelines, 2015. Collection method: clinical testing. Allele origin: germline.

Labcorp Genetics (formerly Invitae), Labcorp
Classification: Uncertain significance for Walker-Warburg congenital muscular dystrophy. Last evaluated: 2022-09-23. Review status: criteria provided, single submitter. Criteria: Invitae Variant Classification Sherloc (09022015). Collection method: clinical testing. Allele origin: germline.
Comment: This sequence change replaces isoleucine, which is neutral and non-polar, with threonine, which is neutral and polar, at codon 4 of the FKTN protein (p.Ile4Thr). This variant is not present in population databases (gnomAD no frequency). This variant has not been reported in the literature in individuals affected with FKTN-related conditions. Advanced modeling of protein sequence and biophysical properties (such as structural, functional, and spatial information, amino acid conservation, physicochemical variation, residue mobility, and thermodynamic stability) performed at Invitae indicates that this missense variant is expected to disrupt FKTN protein function. In summary, the available evidence is currently insufficient to determine the role of this variant in disease. Therefore, it has been classified as a Variant of Uncertain Significance.

NM_001079802.2(FKTN):c.11T>C (p.Ile4Thr)

Gene: FKTN (fukutin; plus strand). Cytogenetic location: 9q31.2.
Variant type: single nucleotide variant.
Coding change: c.11T>C on transcript NM_001079802.2 (MANE Select); coding-DNA position 11, T replaced by C.
Protein change: p.Ile4Thr; replaces isoleucine 4 with threonine.
Molecular consequence: missense variant. On other transcripts: 5 prime UTR variant (5), non-coding transcript variant (2).
Genome position (GRCh38, 1-based): chr9:105,575,043, T>C. VCF-style: chr9-105575043-T-C. GRCh37 (hg19) VCF-style: chr9-108337324-T-C.
Other names: c.11T>C, p.Ile4Thr (NM_001198963.2, NM_001351496.2, NM_001351498.2 and 1 more transcripts); c.-157T>C (NM_001351497.2); c.-504T>C (NM_001351499.2, NM_001351500.2, NM_001351501.2 and 1 more transcripts); short protein forms I4T.
Identifiers: ClinVar variation 1986739 (VCV001986739.2), dbSNP rs1427251653, ClinGen allele CA374330801.